The following is an entry in ClinVar:

ClinVar aggregate classification (germline): Pathogenic (1 of 4 stars; one submission).

Submission:

Labcorp Genetics (formerly Invitae), Labcorp
Classification: Pathogenic. Last evaluated: 2022-05-09. Review status: criteria provided, single submitter. Criteria: Invitae Variant Classification Sherloc (09022015). Collection method: clinical testing. Allele origin: germline.
Comment: This sequence change creates a premature translational stop signal (p.Arg3143Serfs*5) in the VPS13A gene. While this is not anticipated to result in nonsense mediated decay, it is expected to disrupt the last 32 amino acid(s) of the VPS13A protein. This variant is not present in population databases (gnomAD no frequency). For these reasons, this variant has been classified as Pathogenic. This variant disrupts a region of the VPS13A protein in which other variant(s) (p.Glu3144Valfs*6) have been determined to be pathogenic (PMID: 12404112, 30713887). This suggests that this is a clinically significant region of the protein, and that variants that disrupt it are likely to be disease-causing. This premature translational stop signal has been observed in individual(s) with choreoacanthocytosis (PMID: 11381253).

Literature cited by the submitters: PubMed 12404112; PubMed 30713887; PubMed 11381253.

NM_033305.3(VPS13A):c.9429_9432del (p.Arg3143fs)

Gene: VPS13A (vacuolar protein sorting 13 homolog A; plus strand). Cytogenetic location: 9q21.2.
Variant type: Microsatellite.
Coding change: c.9429_9432del on transcript NM_033305.3 (MANE Select); coding-DNA positions 9429 to 9432, 4 bases deleted (AGAG; older notation c.9429_9432delAGAG).
Protein change: p.Arg3143fs; shifts the reading frame from arginine 3143.
Molecular consequence: frameshift variant.
Genome position (GRCh38, 1-based): chr9:77,407,562-77,407,565, AGAG deleted; deleting any 4 consecutive bases within chr9:77,407,560-77,407,565 gives the same sequence; the c. name uses the placement nearest the transcript's 3' end. VCF-style (leftmost placement, unchanged base first): chr9-77407559-CAGAG-C. GRCh37 (hg19) VCF-style: chr9-80022475-CAGAG-C.
Other names: c.9312_9315del, p.Arg3104fs (NM_001018037.2); short protein forms R3104fs, R3143fs.
Identifiers: ClinVar variation 1072581 (VCV001072581.9), dbSNP rs1085307750, ClinGen allele CA2580616218.